The following is an entry in ClinVar:

NM_000812.4(GABRB1):c.25_26del (p.Leu10fs)

Gene: GABRB1 (gamma-aminobutyric acid type A receptor subunit beta1; plus strand). Cytogenetic location: 4p12.
Variant type: Microsatellite.
Coding change: c.25_26del on transcript NM_000812.4 (MANE Select); coding-DNA positions 25 to 26, 2 bases deleted (AG; older notation c.25_26delAG).
Protein change: p.Leu10fs; shifts the reading frame from leucine 10.
Molecular consequence: frameshift variant.
Genome position (GRCh38, 1-based): chr4:47,031,676-47,031,677, AG deleted; deleting any 2 consecutive bases within chr4:47,031,671-47,031,677 gives the same sequence; the c. name uses the placement nearest the transcript's 3' end. VCF-style (leftmost placement, unchanged base first): chr4-47031670-CGA-C. GRCh37 (hg19) VCF-style: chr4-47033687-CGA-C.
Other names: short protein forms L10fs.
Identifiers: ClinVar variation 4055859 (VCV004055859.1).

ClinVar aggregate classification (germline): Uncertain significance (1 of 4 stars; one submission).

Submission:

GeneDx
Classification: Uncertain significance. Last evaluated: 2024-12-31. Review status: criteria provided, single submitter. Criteria: GeneDx Variant Classification Process June 2021. Collection method: clinical testing. Allele origin: germline. Affected: yes.
Comment: Not observed at significant frequency in large population cohorts (gnomAD); Frameshift variant predicted to result in protein truncation or nonsense mediated decay in a gene or region of a gene for which loss of function is not a well-established mechanism of disease; Has not been previously published as pathogenic or benign to our knowledge